The following is an entry in ClinVar:

NM_000834.5(GRIN2B):c.1146G>C (p.Lys382Asn)

Gene: GRIN2B (glutamate ionotropic receptor NMDA type subunit 2B; minus strand). Cytogenetic location: 12p13.1.
Variant type: single nucleotide variant.
Coding change: c.1146G>C on transcript NM_000834.5 (MANE Select); coding-DNA position 1146, G replaced by C.
Protein change: p.Lys382Asn; replaces lysine 382 with asparagine.
Molecular consequence: missense variant.
Genome position (GRCh38, 1-based): chr12:13,616,637, C>G on the plus strand (G>C on the coding strand, the complement: GRIN2B is on the minus strand). VCF-style: chr12-13616637-C-G. GRCh37 (hg19) VCF-style: chr12-13769571-C-G.
Other names: c.1146G>C, p.Lys382Asn (NM_001413992.1); short protein forms K382N.
Identifiers: ClinVar variation 2922871 (VCV002922871.5), dbSNP rs1188496776, ClinGen allele CA384052856.

ClinVar aggregate classification (germline): Conflicting classifications of pathogenicity. Review status: criteria provided, conflicting classifications (1 of 4 stars). 2 submissions from 2 submitters: Uncertain significance (1); Benign (1). Last evaluated 2024-02-14.

Conditions:
Intellectual developmental disorder, autosomal dominant 6, with or without seizures. Also called: GRIN2B-related developmental delay, intellectual disability and autism spectrum disorder; Intellectual disability, autosomal dominant 6. Identifiers: Orphanet 589547, MedGen C3151411, MONDO:0013509, OMIM 613970.
Developmental and epileptic encephalopathy, 27 (DEE27). Also called: Epileptic encephalopathy, early infantile, 27; GRIN2B-Related Neurodevelopmental Disorder. Identifiers: Orphanet 3451, MedGen C4015316, MONDO:0014505, OMIM 616139.

Allele frequency attached by ClinVar (database versions not stated): gnomAD exomes below 0.00001; gnomAD 0.00001; TOPMed 0.00001.
gnomAD v4.1: 6 of 1,613,728 alleles (0.00037%); highest among the groups gnomAD compares: Non-Finnish European, 0.00042%; no homozygotes.

Submissions (2):

Women's Health and Genetics/Laboratory Corporation of America, LabCorp
Classification: Uncertain significance. Last evaluated: 2024-02-14. Review status: criteria provided, single submitter. Criteria: LabCorp Variant Classification Summary - May 2015. Collection method: clinical testing. Allele origin: germline.
Comment: Variant summary: GRIN2B c.1146G>C (p.Lys382Asn) results in a non-conservative amino acid change in the encoded protein sequence. Three of five in-silico tools predict a benign effect of the variant on protein function. The variant was absent in 251420 control chromosomes. The available data on variant occurrences in the general population are insufficient to allow any conclusion about variant significance. To our knowledge, no occurrence of c.1146G>C in individuals affected with Mental Retardation, Autosomal Dominant 6 and no experimental evidence demonstrating its impact on protein function have been reported. No submitters have cited clinical-significance assessments for this variant to ClinVar. Based on the evidence outlined above, the variant was classified as uncertain significance.

Labcorp Genetics (formerly Invitae), Labcorp
Classification: Benign for Developmental and epileptic encephalopathy, 27; Intellectual developmental disorder, autosomal dominant 6, with or without seizures. Last evaluated: 2022-11-28. Review status: criteria provided, single submitter. Criteria: Invitae Variant Classification Sherloc (09022015). Collection method: clinical testing. Allele origin: germline.